The following is an entry in ClinVar:

NM_006269.2(RP1):c.1472G>A (p.Ser491Asn)

Gene: RP1 (RP1 axonemal microtubule associated; plus strand). Cytogenetic location: 8q12.1.
Variant type: single nucleotide variant.
Coding change: c.1472G>A on transcript NM_006269.2 (MANE Select); coding-DNA position 1472, G replaced by A.
Protein change: p.Ser491Asn; replaces serine 491 with asparagine.
Molecular consequence: missense variant. On other transcripts: intron variant (1).
Genome position (GRCh38, 1-based): chr8:54,625,354, G>A. VCF-style: chr8-54625354-G-A. GRCh37 (hg19) VCF-style: chr8-55537914-G-A.
Other names: c.787+3066G>A (NM_001375654.1); short protein forms S491N.
Identifiers: ClinVar variation 873522 (VCV000873522.13), dbSNP rs758334212, ClinGen allele CA4751380.

ClinVar aggregate classification (germline): Uncertain significance. Review status: criteria provided, multiple submitters, no conflicts (2 of 4 stars). 4 submissions from 4 submitters: Uncertain significance (4). Last evaluated 2025-09-13.

Conditions:
RP1-related retinal dystrophy.
Inborn genetic diseases. Identifiers: MedGen C0950123, MeSH D030342.

Allele frequency attached by ClinVar (database versions not stated): TOPMed 0.00002; gnomAD 0.00004 and 0.00006; ExAC 0.00010; gnomAD exomes 0.00010 and 0.00005.
gnomAD v4.1: 82 of 1,614,052 alleles (0.0051%); highest among the groups gnomAD compares: South Asian, 0.047%; no homozygotes.

Submissions (4):

Labcorp Genetics (formerly Invitae), Labcorp
Classification: Uncertain significance. Last evaluated: 2025-09-13. Review status: criteria provided, single submitter. Criteria: Invitae Variant Classification Sherloc (09022015). Collection method: clinical testing. Allele origin: germline.
Comment: This sequence change replaces serine, which is neutral and polar, with asparagine, which is neutral and polar, at codon 491 of the RP1 protein (p.Ser491Asn). This variant is present in population databases (rs758334212, gnomAD 0.06%). This missense change has been observed in individual(s) with retinal dystrophy (internal data). ClinVar contains an entry for this variant (Variation ID: 873522). An algorithm developed to predict the effect of missense changes on protein structure and function (PolyPhen-2) suggests that this variant is likely to be tolerated. In summary, the available evidence is currently insufficient to determine the role of this variant in disease. Therefore, it has been classified as a Variant of Uncertain Significance.

Ambry Genetics
Classification: Uncertain significance for Inborn genetic diseases. Last evaluated: 2025-01-09. Review status: criteria provided, single submitter. Criteria: Ambry Variant Classification Scheme 2023. Collection method: clinical testing. Allele origin: germline.

Blueprint Genetics
Classification: Uncertain significance. Last evaluated: 2024-09-18. Review status: criteria provided, single submitter. Criteria: ACMG Guidelines, 2015. Collection method: clinical testing. Allele origin: germline.

Illumina Laboratory Services, Illumina
Classification: Uncertain significance for RP1-related retinal dystrophy. Last evaluated: 2020-01-22. Review status: criteria provided, single submitter. Criteria: ICSLVariantClassificationCriteria RUGD 01 April 2020. Collection method: clinical testing. Allele origin: unknown.
Comment: The RP1 c.1472G>A (p.Ser491Asn) variant is a missense variant. A literature search was performed for the gene, cDNA change, and amino acid change. No publications were identified through this search. The p.Ser491Asn variant is reported at a frequency of 0.000555 in the South Asian population of the Genome Aggregation Database. Multiple in silico tools predict this variant will not have a deleterious effect, but these predictions have not been tested experimentally. Based on the limited evidence available, the p.Ser491Asn variant is classified as a variant of unknown significance for RP1-related retinal dystrophy.